The following is an entry in ClinVar:

ClinVar aggregate classification (germline): Pathogenic (1 of 4 stars; one submission).

Conditions:
Primary pulmonary hypertension. Also called: Idiopathic pulmonary hypertension. Identifiers: MedGen C0152171.

Submission:

Labcorp Genetics (formerly Invitae), Labcorp
Classification: Pathogenic for Primary pulmonary hypertension. Last evaluated: 2023-03-16. Review status: criteria provided, single submitter. Criteria: Invitae Variant Classification Sherloc (09022015). Collection method: clinical testing. Allele origin: germline.
Comment: For these reasons, this variant has been classified as Pathogenic. This variant has not been reported in the literature in individuals affected with BMPR2-related conditions. This variant is not present in population databases (gnomAD no frequency). This sequence change creates a premature translational stop signal (p.Glu785*) in the BMPR2 gene. It is expected to result in an absent or disrupted protein product. Loss-of-function variants in BMPR2 are known to be pathogenic (PMID: 16429395).

Literature cited by the submitters: PubMed 16429395.

NM_001204.7(BMPR2):c.2353G>T (p.Glu785Ter)

Gene: BMPR2 (bone morphogenetic protein receptor type 2; plus strand). Cytogenetic location: 2q33.2.
Variant type: single nucleotide variant.
Coding change: c.2353G>T on transcript NM_001204.7 (MANE Select); coding-DNA position 2353, G replaced by T.
Protein change: p.Glu785Ter; replaces glutamic acid 785 with a stop codon.
Molecular consequence: nonsense.
Genome position (GRCh38, 1-based): chr2:202,556,018, G>T. VCF-style: chr2-202556018-G-T. GRCh37 (hg19) VCF-style: chr2-203420741-G-T.
Other names: short protein forms E785*.
Identifiers: ClinVar variation 2846176 (VCV002846176.3), dbSNP rs773135384, ClinGen allele CA350348302.
Genomic context (GRCh38, chr2:202,556,018, plus strand): 5'-TCAACAAAAGAGCCCCGGCTAAAATTTGGCAGCAAGCACAAATCAAACTTGAAACAAGTC[G>T]AAACTGGAGTTGCCAAGATGAATACAATCAATGCAGCAGAACCTCATGTGGTGACAGTCA-3'